The following is an entry in ClinVar:

NM_000138.5(FBN1):c.4363_4365dup (p.Ile1455_Cys1456insIle)

Gene: FBN1 (fibrillin 1; minus strand). Cytogenetic location: 15q21.1.
Variant type: Duplication.
Coding change: c.4363_4365dup on transcript NM_000138.5 (MANE Select); coding-DNA positions 4363 to 4365, 3 bases duplicated (ATC; older notation c.4363_4365dupATC).
Protein change: p.Ile1455_Cys1456insIle.
Molecular consequence: inframe insertion.
Genome position (GRCh38, 1-based): chr15:48,470,728-48,470,730, GAT duplicated on the plus strand (ATC on the coding strand, the reverse complement: FBN1 is on the minus strand); duplicating any 3 consecutive bases within chr15:48,470,728-48,470,731 gives the same sequence; the c. name uses the placement nearest the transcript's 3' end. VCF-style (leftmost placement, unchanged base first): chr15-48470727-A-AGAT. GRCh37 (hg19) VCF-style: chr15-48762924-A-AGAT.
Other names: c.4363_4365dup, p.Ile1455_Cys1456insIle (NM_001406716.1); c.4363_4365dupATC (NM_000138.5).
Identifiers: ClinVar variation 5043328 (VCV005043328.1).

ClinVar aggregate classification (germline): Uncertain significance (1 of 4 stars; one submission).

Conditions:
Marfan syndrome (MFS). Also called: Marfan syndrome, classic; MARFAN SYNDROME, TYPE I; Marfan syndrome type 1; Marfan's syndrome; FBN1-Related Marfan Syndrome. Identifiers: Orphanet 284963, Orphanet 558, MedGen C0024796, MONDO:0007947, OMIM 154700.

Submission:

UAEU Genomics Laboratory, United Arab Emirates University
Classification: Uncertain significance for Marfan syndrome. Last evaluated: 2023-11-17. Review status: criteria provided, single submitter. Criteria: ACMG Guidelines, 2015. Collection method: research. Allele origin: unknown. Affected: yes. Observed: 1 variant allele.
Comment: PM2, PM1, PM4_Supporting